The following is an entry in ClinVar:

NM_001163809.2(WDR81):c.5089C>T (p.Arg1697Cys)

Gene: WDR81 (WD repeat domain 81; plus strand). Cytogenetic location: 17p13.3.
Variant type: single nucleotide variant.
Coding change: c.5089C>T on transcript NM_001163809.2 (MANE Select); coding-DNA position 5089, C replaced by T.
Protein change: p.Arg1697Cys; replaces arginine 1697 with cysteine.
Molecular consequence: missense variant.
Genome position (GRCh38, 1-based): chr17:1,734,126, C>T. VCF-style: chr17-1734126-C-T. GRCh37 (hg19) VCF-style: chr17-1637420-C-T.
Other names: c.1480C>T, p.Arg494Cys (NM_001163673.2); c.1408C>T, p.Arg470Cys (NM_001163811.2); c.1936C>T, p.Arg646Cys (NM_152348.4); short protein forms R1697C, R470C, R494C, R646C.
Identifiers: ClinVar variation 1312006 (VCV001312006.2), dbSNP rs758881902, ClinGen allele CA8273753.

ClinVar aggregate classification (germline): Uncertain significance (1 of 4 stars; one submission).

Allele frequency attached by ClinVar (database versions not stated): ExAC 0.00001; gnomAD 0.00002; gnomAD exomes 0.00002 and 0.00005; TOPMed 0.00002.
gnomAD v4.1: 71 of 1,600,140 alleles (0.0044%); highest among the groups gnomAD compares: Non-Finnish European, 0.0055%; no homozygotes.

Submission:

GeneDx
Classification: Uncertain significance. Last evaluated: 2020-01-13. Review status: criteria provided, single submitter. Criteria: GeneDx Variant Classification Process June 2021. Collection method: clinical testing. Allele origin: germline. Affected: yes.
Comment: Not observed at a significant frequency in large population cohorts (Lek et al., 2016); In silico analysis, which includes protein predictors and evolutionary conservation, supports a deleterious effect; Has not been previously published as pathogenic or benign to our knowledge